The following is an entry in ClinVar:

ClinVar aggregate classification (germline): Pathogenic (1 of 4 stars; one submission).

Conditions:
KBG syndrome (KBGS). Also called: ANKRD11-Related KBG Syndrome. Identifiers: Orphanet 2332, MedGen C0220687, MONDO:0007846, OMIM 148050.

Submission:

Dr. med. U. Finckh, Human Genetics, Eurofins MVZ
Classification: Pathogenic for KBG syndrome. Last evaluated: 2023-08-09. Review status: criteria provided, single submitter. Criteria: ACMG Guidelines, 2015. Collection method: clinical testing. Allele origin: de novo. Affected: yes. Observed: 1 heterozygote.
Comment: PVS1, PM6, PM2_SUP

NM_013275.6(ANKRD11):c.4109_4124dup (p.Lys1376fs)

Gene: ANKRD11 (ankyrin repeat domain 11; minus strand). Cytogenetic location: 16q24.3.
Variant type: Duplication.
Coding change: c.4109_4124dup on transcript NM_013275.6 (MANE Select); coding-DNA positions 4109 to 4124, 16 bases duplicated (AGGCCGAGAAGAAAGA).
Protein change: p.Lys1376fs; shifts the reading frame from lysine 1376.
Molecular consequence: frameshift variant.
Genome position (GRCh38, 1-based): chr16:89,282,418-89,282,433, TCTTTCTTCTCGGCCT duplicated on the plus strand (AGGCCGAGAAGAAAGA on the coding strand, the reverse complement: ANKRD11 is on the minus strand); duplicating any 16 consecutive bases within chr16:89,282,418-89,282,436 gives the same sequence; the c. name uses the placement nearest the transcript's 3' end. VCF-style (leftmost placement, unchanged base first): chr16-89282417-C-CTCTTTCTTCTCGGCCT. GRCh37 (hg19) VCF-style: chr16-89348825-C-CTCTTTCTTCTCGGCCT.
Other names: c.4109_4124dup, p.Lys1376fs (NM_001256182.2, NM_001256183.2); short protein forms K1376fs.
Identifiers: ClinVar variation 2581019 (VCV002581019.1), dbSNP rs2544234184, ClinGen allele CA2580618193.